The following is an entry in ClinVar:

NM_019842.4(KCNQ5):c.2513C>T (p.Ser838Leu)

Gene: KCNQ5 (potassium voltage-gated channel subfamily Q member 5; plus strand). Cytogenetic location: 6q13.
Variant type: single nucleotide variant.
Coding change: c.2513C>T on transcript NM_019842.4 (MANE Select); coding-DNA position 2513, C replaced by T.
Protein change: p.Ser838Leu; replaces serine 838 with leucine.
Molecular consequence: missense variant.
Genome position (GRCh38, 1-based): chr6:73,195,128, C>T. VCF-style: chr6-73195128-C-T. GRCh37 (hg19) VCF-style: chr6-73904851-C-T.
Other names: c.2486C>T, p.Ser829Leu (NM_001160130.2); c.2543C>T, p.Ser848Leu (NM_001160132.2); c.2570C>T, p.Ser857Leu (NM_001160133.2); c.2183C>T, p.Ser728Leu (NM_001160134.2); short protein forms S829L, S838L, S848L, S728L, S857L.
Identifiers: ClinVar variation 2102142 (VCV002102142.4), dbSNP rs772545046, ClinGen allele CA3887273.

ClinVar aggregate classification (germline): Uncertain significance (1 of 4 stars; one submission).

Allele frequency attached by ClinVar (database versions not stated): ExAC 0.00001.
gnomAD v4.1: 14 of 1,614,130 alleles (0.00087%); highest among the groups gnomAD compares: East Asian, 0.0022%; no homozygotes.

Submission:

Labcorp Genetics (formerly Invitae), Labcorp
Classification: Uncertain significance. Last evaluated: 2023-05-15. Review status: criteria provided, single submitter. Criteria: Invitae Variant Classification Sherloc (09022015). Collection method: clinical testing. Allele origin: germline.
Comment: In summary, the available evidence is currently insufficient to determine the role of this variant in disease. Therefore, it has been classified as a Variant of Uncertain Significance. Advanced modeling of protein sequence and biophysical properties (such as structural, functional, and spatial information, amino acid conservation, physicochemical variation, residue mobility, and thermodynamic stability) performed at Invitae indicates that this missense variant is not expected to disrupt KCNQ5 protein function. ClinVar contains an entry for this variant (Variation ID: 2102142). This variant has not been reported in the literature in individuals affected with KCNQ5-related conditions. This variant is present in population databases (rs772545046, gnomAD 0.01%). This sequence change replaces serine, which is neutral and polar, with leucine, which is neutral and non-polar, at codon 857 of the KCNQ5 protein (p.Ser857Leu).